The following is an entry in ClinVar:

NM_003072.5(SMARCA4):c.4612A>G (p.Thr1538Ala)

Gene: SMARCA4 (SWI/SNF related BAF chromatin remodeling complex subunit ATPase 4; plus strand). Cytogenetic location: 19p13.2.
Variant type: single nucleotide variant.
Coding change: c.4612A>G on transcript NM_003072.5 (MANE Select); coding-DNA position 4612, A replaced by G.
Protein change: p.Thr1538Ala; replaces threonine 1538 with alanine.
Molecular consequence: missense variant. On other transcripts: non-coding transcript variant (1).
Genome position (GRCh38, 1-based): chr19:11,058,866, A>G. VCF-style: chr19-11058866-A-G. GRCh37 (hg19) VCF-style: chr19-11169542-A-G.
Other names: c.4612A>G, p.Thr1538Ala (NM_001128844.3); c.4522A>G, p.Thr1508Ala (NM_001128845.2); c.4519A>G, p.Thr1507Ala (NM_001128846.2); c.4513A>G, p.Thr1505Ala (NM_001128847.4, NM_001374457.1); c.4510A>G, p.Thr1504Ala (NM_001128848.2); c.4708A>G, p.Thr1570Ala (NM_001128849.3, NM_001387283.1); c.4609A>G, p.Thr1537Ala (NM_001411150.1); short protein forms T1537A, T1538A, T1504A, T1508A, T1570A, T1505A, T1507A.
Identifiers: ClinVar variation 3320762 (VCV003320762.2).

ClinVar aggregate classification (germline): Uncertain significance. Review status: criteria provided, multiple submitters, no conflicts (2 of 4 stars). 2 submissions from 2 submitters: Uncertain significance (2). Last evaluated 2025-09-17.

Conditions:
Hereditary cancer-predisposing syndrome. Also called: Neoplastic Syndromes, Hereditary; Tumor predisposition; Hereditary neoplastic syndrome; Hereditary Cancer Syndrome. Identifiers: Orphanet 140162, MedGen C0027672, MeSH D009386, MONDO:0015356.
Rhabdoid tumor predisposition syndrome 2 (RTPS2). Identifiers: Orphanet 231108, Orphanet 69077, MedGen C2750074, MONDO:0013224, OMIM 613325.

gnomAD v4.1: 1 of 1,614,004 alleles (0.000062%); highest among the groups gnomAD compares: Non-Finnish European, 0.000085%; no homozygotes.

Submissions (2):

Labcorp Genetics (formerly Invitae), Labcorp
Classification: Uncertain significance for Rhabdoid tumor predisposition syndrome 2. Last evaluated: 2025-09-17. Review status: criteria provided, single submitter. Criteria: Invitae Variant Classification Sherloc (09022015). Collection method: clinical testing. Allele origin: germline.
Comment: This sequence change replaces threonine, which is neutral and polar, with alanine, which is neutral and non-polar, at codon 1570 of the SMARCA4 protein (p.Thr1570Ala). This variant is present in population databases (rs754674194, gnomAD 0.0009%). This variant has not been reported in the literature in individuals affected with SMARCA4-related conditions. ClinVar contains an entry for this variant (Variation ID: 3320762). Invitae Evidence Modeling of protein sequence and biophysical properties (such as structural, functional, and spatial information, amino acid conservation, physicochemical variation, residue mobility, and thermodynamic stability) has been performed for this missense variant. However, the output from this modeling did not meet the statistical confidence thresholds required to predict the impact of this variant on SMARCA4 protein function. In summary, the available evidence is currently insufficient to determine the role of this variant in disease. Therefore, it has been classified as a Variant of Uncertain Significance.

Ambry Genetics
Classification: Uncertain significance for Hereditary cancer-predisposing syndrome. Last evaluated: 2024-05-31. Review status: criteria provided, single submitter. Criteria: Ambry Variant Classification Scheme 2023. Collection method: clinical testing. Allele origin: germline.
Comment: The p.T1570A variant (also known as c.4708A>G), located in coding exon 32 of the SMARCA4 gene, results from an A to G substitution at nucleotide position 4708. The threonine at codon 1570 is replaced by alanine, an amino acid with similar properties. This amino acid position is conserved. In addition, the in silico prediction for this alteration is inconclusive. Based on the available evidence, the clinical significance of this variant remains unclear.